The following is an entry in ClinVar:

ClinVar aggregate classification (germline): Uncertain significance (1 of 4 stars; one submission).

Submission:

Labcorp Genetics (formerly Invitae), Labcorp
Classification: Uncertain significance. Last evaluated: 2024-04-30. Review status: criteria provided, single submitter. Criteria: Invitae Variant Classification Sherloc (09022015). Collection method: clinical testing. Allele origin: germline.
Comment: This sequence change replaces threonine, which is neutral and polar, with alanine, which is neutral and non-polar, at codon 1186 of the ASXL1 protein (p.Thr1186Ala). This variant is not present in population databases (gnomAD no frequency). This variant has not been reported in the literature in individuals affected with ASXL1-related conditions. Algorithms developed to predict the effect of missense changes on protein structure and function output the following: SIFT: "Not Available"; PolyPhen-2: "Benign"; Align-GVGD: "Not Available". The alanine amino acid residue is found in multiple mammalian species, which suggests that this missense change does not adversely affect protein function. In summary, the available evidence is currently insufficient to determine the role of this variant in disease. Therefore, it has been classified as a Variant of Uncertain Significance.

NM_015338.6(ASXL1):c.3556A>G (p.Thr1186Ala)

Gene: ASXL1 (ASXL transcriptional regulator 1; plus strand). Cytogenetic location: 20q11.21.
Variant type: single nucleotide variant.
Coding change: c.3556A>G on transcript NM_015338.6 (MANE Select); coding-DNA position 3556, A replaced by G.
Protein change: p.Thr1186Ala; replaces threonine 1186 with alanine.
Molecular consequence: missense variant.
Genome position (GRCh38, 1-based): chr20:32,436,268, A>G. VCF-style: chr20-32436268-A-G. GRCh37 (hg19) VCF-style: chr20-31024071-A-G.
Other names: c.3373A>G, p.Thr1125Ala (NM_001363734.1); short protein forms T1125A, T1186A.
Identifiers: ClinVar variation 2761591 (VCV002761591.3), dbSNP rs147905623, ClinGen allele CA408563312.
Genomic context (GRCh38, chr20:32,436,268, plus strand): 5'-AGCCCCAGTTCTTTAAGGGCTTTGAAGGAGCCTCTTCTGCCAGATAGCTGTGAAACAGGC[A>G]CTGGTCTTGCCAGGATTGAGGCCACCCAGGCTCCTGGAGCACCCCAAAAGAATTGCAAGG-3'
Protein context (NP_056153.2, residues 1176-1196): PLLPDSCETG[Thr1186Ala]GLARIEATQA